The following is an entry in ClinVar:

ClinVar aggregate classification (germline): Uncertain significance. Review status: criteria provided, multiple submitters, no conflicts (2 of 4 stars). 2 submissions from 2 submitters: Uncertain significance (2). Last evaluated 2025-01-31.

Conditions:
Inborn genetic diseases. Identifiers: MedGen C0950123, MeSH D030342.
PTCHD1-related disorder. Also called: PTCHD1-related condition.

Allele frequency attached by ClinVar (database versions not stated): gnomAD exomes below 0.00001; gnomAD 0.00001.
gnomAD v4.1: 6 of 1,208,971 alleles (0.0005%); highest among the groups gnomAD compares: South Asian, 0.0018%; no homozygotes.

Submissions (2):

PreventionGenetics, part of Exact Sciences
Classification: Uncertain significance for PTCHD1-related condition. Last evaluated: 2025-01-31. Review status: criteria provided, single submitter. Criteria: ACMG Guidelines, 2015. Collection method: clinical testing. Allele origin: germline.
Comment: The PTCHD1 c.2072G>A variant is predicted to result in the amino acid substitution p.Arg691Gln. To our knowledge, this variant has not been reported in the literature. This variant is reported in 0.0012% of alleles in individuals of European (Non-Finnish) descent in gnomAD. At this time, the clinical significance of this variant is uncertain due to the absence of conclusive functional and genetic evidence.

Ambry Genetics
Classification: Uncertain significance for Inborn genetic diseases. Last evaluated: 2024-02-26. Review status: criteria provided, single submitter. Criteria: Ambry Variant Classification Scheme 2023. Collection method: clinical testing. Allele origin: germline.

NM_173495.3(PTCHD1):c.2072G>A (p.Arg691Gln)

Gene: PTCHD1 (patched domain containing 1; plus strand). Cytogenetic location: Xp22.11.
Variant type: single nucleotide variant.
Coding change: c.2072G>A on transcript NM_173495.3 (MANE Select); coding-DNA position 2072, G replaced by A.
Protein change: p.Arg691Gln; replaces arginine 691 with glutamine.
Molecular consequence: missense variant.
Genome position (GRCh38, 1-based): chrX:23,393,590, G>A. VCF-style: chrX-23393590-G-A. GRCh37 (hg19) VCF-style: chrX-23411707-G-A.
Other names: short protein forms R691Q.
Identifiers: ClinVar variation 3220617 (VCV003220617.2), dbSNP rs1569143368, ClinGen allele CA412587157.